The following is an entry in ClinVar:

ClinVar aggregate classification (germline): Likely benign (1 of 4 stars; one submission).

Allele frequency attached by ClinVar (database versions not stated): 1000 Genomes Project 0.00040; 1000 Genomes Project 30x 0.00062; ExAC 0.00143; gnomAD 0.00157; TOPMed 0.00171; ESP Exome Variant Server 0.00223; gnomAD exomes 0.00243.
gnomAD v4.1: 3,763 of 1,614,006 alleles (0.23%); highest among the groups gnomAD compares: Non-Finnish European, 0.28%; 12 homozygotes.

Submissions (6):

CeGaT Center for Human Genetics Tuebingen
Classification: Likely benign. Last evaluated: 2022-07-01. Review status: criteria provided, single submitter. Criteria: CeGaT Center For Human Genetics Tuebingen Variant Classification Criteria Version 2. Collection method: clinical testing. Allele origin: germline. Affected: yes. Observed: 1 variant allele.
Comment: PIWIL4: BP4, BP7

Dr. Peter K. Rogan Lab, Western University
No classification provided (evidence only). Condition: Malignant tumor of urinary bladder. Review status: no classification provided. Collection method: in vitro. Allele origin: not applicable. Functional consequence: skipped exon. Not counted in ClinVar's aggregate classification.

Dr. Peter K. Rogan Lab, Western University
No classification provided (evidence only). Condition: Acute myeloid leukemia. Review status: no classification provided. Collection method: in vitro. Allele origin: not applicable. Functional consequence: skipped exon, retained intron. Not counted in ClinVar's aggregate classification.

Dr. Peter K. Rogan Lab, Western University
No classification provided (evidence only). Condition: Sarcoma. Review status: no classification provided. Collection method: in vitro. Allele origin: not applicable. Functional consequence: skipped exon. Not counted in ClinVar's aggregate classification.

Dr. Peter K. Rogan Lab, Western University
No classification provided (evidence only). Condition: Sarcoma. Review status: no classification provided. Collection method: in vitro. Allele origin: not applicable. Functional consequence: skipped exon, retained intron. Not counted in ClinVar's aggregate classification.

Dr. Peter K. Rogan Lab, Western University
No classification provided (evidence only). Condition: Gastric cancer. Review status: no classification provided. Collection method: in vitro. Allele origin: not applicable. Functional consequence: skipped exon, retained intron. Not counted in ClinVar's aggregate classification.

NM_152431.3(PIWIL4):c.1914C>T (p.Cys638=)

Genes: PIWIL4 (piwi like RNA-mediated gene silencing 4; plus strand), PIWIL4-AS1 (PIWIL4 antisense RNA 1; minus strand). Cytogenetic location: 11q21.
Variant type: single nucleotide variant.
Coding change: c.1914C>T on transcript NM_152431.3 (MANE Select); coding-DNA position 1914, C replaced by T.
Protein change: p.Cys638=; no amino-acid change (cysteine 638 retained).
Molecular consequence: synonymous variant.
Genome position (GRCh38, 1-based): chr11:94,608,657, C>T. VCF-style: chr11-94608657-C-T. GRCh37 (hg19) VCF-style: chr11-94341823-C-T.
Other names: NC_000011.9:g.94341823C>T.
Identifiers: ClinVar variation 2642298 (VCV002642298.25), dbSNP rs146415204, ClinGen allele CA6236613.